The following is an entry in ClinVar:

ClinVar aggregate classification (germline): Benign/Likely benign. Review status: criteria provided, multiple submitters, no conflicts (2 of 4 stars). 4 submissions from 4 submitters: Benign (2); Likely benign (1). 1 of the submissions does not count toward it. Last evaluated 2026-01-13.

Conditions:
Cardiomyopathy (CMYO). Also called: Cardiomyopathies. Identifiers: Orphanet 167848, MedGen C0878544, MONDO:0004994, HP:0001638. Inheritance: Various modes of inheritance.
FHL2-related disorder. Also called: FHL2-related condition.
Primary dilated cardiomyopathy (DCM). Also called: Dilated Cardiomyopathy. Identifiers: Orphanet 217604, MedGen C0007193, MeSH D002311, MONDO:0005021, HP:0001644. Inheritance: Various modes of inheritance.

Allele frequency attached by ClinVar (database versions not stated): ExAC 0.00013; ESP Exome Variant Server 0.00031; TOPMed 0.00031; gnomAD 0.00033 and 0.00036.
gnomAD v4.1: 116 of 1,614,088 alleles (0.0072%); highest among the groups gnomAD compares: African/African-American, 0.1%; no homozygotes.

Submissions (4):

Labcorp Genetics (formerly Invitae), Labcorp
Classification: Benign for Primary dilated cardiomyopathy. Last evaluated: 2026-01-13. Review status: criteria provided, single submitter. Criteria: Invitae Variant Classification Sherloc (09022015). Collection method: clinical testing. Allele origin: germline.

CHEO Genetics Diagnostic Laboratory, Children's Hospital of Eastern Ontario
Classification: Benign for Cardiomyopathy. Last evaluated: 2018-06-12. Review status: criteria provided, single submitter. Criteria: ACMG Guidelines, 2015. Collection method: clinical testing. Allele origin: germline.

Laboratory for Molecular Medicine, Mass General Brigham Personalized Medicine
Classification: Likely benign. Last evaluated: 2015-04-07. Review status: criteria provided, single submitter. Criteria: LMM Criteria. Collection method: clinical testing. Allele origin: germline. Observed: 2 variant alleles.
Comment: p.Ser69Ser in exon 3 of FHL2: This variant is not expected to have clinical sign ificance because it does not alter an amino acid residue and is not located with in the splice consensus sequence. It has been identified in 0.1% (13/10402) of A frican chromosomes by the Exome Aggregation Consortium (ExAC; dbSNP rs138189036).

PreventionGenetics, part of Exact Sciences
Classification: Likely benign for FHL2-related condition. Last evaluated: 2022-03-14. Review status: no assertion criteria provided. Collection method: clinical testing. Allele origin: germline. Not counted in ClinVar's aggregate classification.
Comment: This variant is classified as likely benign based on ACMG/AMP sequence variant interpretation guidelines (Richards et al. 2015 PMID: 25741868, with internal and published modifications).

NM_001318895.3(FHL2):c.207G>A (p.Ser69=)

Genes: C2orf49 (chromosome 2 open reading frame 49; plus strand), FHL2 (four and a half LIM domains 2; minus strand). Cytogenetic location: 2q12.2.
Variant type: single nucleotide variant.
Coding change: c.207G>A on transcript NM_001318895.3 (MANE Select); coding-DNA position 207, G replaced by A.
Protein change: p.Ser69=; no amino-acid change (serine 69 retained).
Molecular consequence: synonymous variant. On other transcripts: 5 prime UTR variant (1), intron variant (2).
Genome position (GRCh38, 1-based): chr2:105,373,683, C>T on the plus strand (G>A on the coding strand, the complement: FHL2 is on the minus strand). VCF-style: chr2-105373683-C-T. GRCh37 (hg19) VCF-style: chr2-105990140-C-T.
Other names: c.207G>A, p.Ser69= (NM_001039492.3, NM_001318894.1, NM_001318896.2 and 4 more transcripts); c.-118G>A (NM_001318899.2); c.-11-5944G>A (NM_001318897.2, NM_001318898.2).
Identifiers: ClinVar variation 178037 (VCV000178037.15), dbSNP rs138189036, ClinGen allele CA181243.